The following is an entry in ClinVar:

ClinVar aggregate classification (germline): Uncertain significance (1 of 4 stars; one submission).

Conditions:
Inborn genetic diseases. Identifiers: MedGen C0950123, MeSH D030342.

Submission:

Ambry Genetics
Classification: Uncertain significance for Inborn genetic diseases. Last evaluated: 2025-02-16. Review status: criteria provided, single submitter. Criteria: Ambry Variant Classification Scheme 2023. Collection method: clinical testing. Allele origin: germline.
Comment: The p.K692N variant (also known as c.2076A>T), located in coding exon 1 of the SAMD9L gene, results from an A to T substitution at nucleotide position 2076. The lysine at codon 692 is replaced by asparagine, an amino acid with similar properties. This amino acid position is conserved. In addition, this alteration is predicted to be tolerated by in silico analysis. Based on the available evidence, the clinical significance of this variant remains unclear.

NM_152703.5(SAMD9L):c.2076A>T (p.Lys692Asn)

Gene: SAMD9L (sterile alpha motif domain containing 9 like; minus strand). Cytogenetic location: 7q21.2.
Variant type: single nucleotide variant.
Coding change: c.2076A>T on transcript NM_152703.5 (MANE Select); coding-DNA position 2076, A replaced by T.
Protein change: p.Lys692Asn; replaces lysine 692 with asparagine.
Molecular consequence: missense variant.
Genome position (GRCh38, 1-based): chr7:93,133,896, T>A on the plus strand (A>T on the coding strand, the complement: SAMD9L is on the minus strand). VCF-style: chr7-93133896-T-A. GRCh37 (hg19) VCF-style: chr7-92763209-T-A.
Other names: c.2076A>T, p.Lys692Asn (NM_001303496.3, NM_001303497.3, NM_001303498.3 and 5 more transcripts); short protein forms K692N.
Identifiers: ClinVar variation 3792429 (VCV003792429.1).